The following is an entry in ClinVar:

ClinVar aggregate classification (germline): Uncertain significance (1 of 4 stars; one submission).

Submission:

GeneDx
Classification: Uncertain significance. Last evaluated: 2025-04-03. Review status: criteria provided, single submitter. Criteria: GeneDx Variant Classification Process June 2021. Collection method: clinical testing. Allele origin: germline. Affected: yes.
Comment: Not observed at significant frequency in large population cohorts (gnomAD); In silico analysis supports that this missense variant has a deleterious effect on protein structure/function; Has not been previously published as pathogenic or benign to our knowledge

NM_001303256.3(MORC2):c.2774C>T (p.Pro925Leu)

Gene: MORC2 (MORC family CW-type zinc finger 2; minus strand). Cytogenetic location: 22q12.2.
Variant type: single nucleotide variant.
Coding change: c.2774C>T on transcript NM_001303256.3 (MANE Select); coding-DNA position 2774, C replaced by T.
Protein change: p.Pro925Leu; replaces proline 925 with leucine.
Molecular consequence: missense variant.
Genome position (GRCh38, 1-based): chr22:30,932,426, G>A on the plus strand (C>T on the coding strand, the complement: MORC2 is on the minus strand). VCF-style: chr22-30932426-G-A. GRCh37 (hg19) VCF-style: chr22-31328413-G-A.
Other names: c.2774C>T, p.Pro925Leu (NM_001303257.2); c.2588C>T, p.Pro863Leu (NM_014941.3); short protein forms P863L, P925L.
Identifiers: ClinVar variation 4278533 (VCV004278533.1).
Genomic context (GRCh38, chr22:30,932,426, plus strand): 5'-AAAGATATTAGCTCATCTGAATTCATAGCACTCAGCTGCTTCTTGGAGATGGGGAAACTT[G>A]GAGGCAGGAAGTACCGTAAACAATTCCTAAAGAAGGCAGGGACAGTAATTCAGAATGGCA-3'
Protein context (NP_001290185.1, residues 915-935): LRNCLRYFLP[Pro925Leu]SFPISKKQLS